The following is an entry in ClinVar:

NM_000090.4(COL3A1):c.1192A>G (p.Met398Val)

Gene: COL3A1 (collagen type III alpha 1 chain; plus strand). Cytogenetic location: 2q32.2.
Variant type: single nucleotide variant.
Coding change: c.1192A>G on transcript NM_000090.4 (MANE Select); coding-DNA position 1192, A replaced by G.
Protein change: p.Met398Val; replaces methionine 398 with valine.
Molecular consequence: missense variant.
Genome position (GRCh38, 1-based): chr2:188,994,080, A>G. VCF-style: chr2-188994080-A-G. GRCh37 (hg19) VCF-style: chr2-189858806-A-G.
Other names: short protein forms M398V.
Identifiers: ClinVar variation 3894132 (VCV003894132.1).

ClinVar aggregate classification (germline): Uncertain significance (1 of 4 stars; one submission).

Conditions:
Familial thoracic aortic aneurysm and aortic dissection (TAAD). Also called: Thoracic aortic aneurysms and dissections. Identifiers: Orphanet 91387, MedGen C4707243, MONDO:0019625.

Submission:

Color Diagnostics, LLC DBA Color Health
Classification: Uncertain significance for Familial thoracic aortic aneurysm and aortic dissection. Last evaluated: 2024-10-28. Review status: criteria provided, single submitter. Criteria: ACMG Guidelines, 2015. Collection method: clinical testing. Allele origin: germline.
Comment: This missense variant replaces methionine with valine at codon 398 of the COL3A1 protein. Computational prediction suggests that this variant may not impact protein structure and function (internally defined REVEL score threshold <= 0.5, PMID: 27666373). To our knowledge, functional studies have not been reported for this variant. This variant has not been reported in individuals affected with COL3A1-related disorders in the literature. This variant has not been identified in the general population by the Genome Aggregation Database (gnomAD). The available evidence is insufficient to determine the role of this variant in disease conclusively. Therefore, this variant is classified as a Variant of Uncertain Significance.